The following is an entry in ClinVar:

ClinVar aggregate classification (germline): Uncertain significance. Review status: criteria provided, multiple submitters, no conflicts (2 of 4 stars). 2 submissions from 2 submitters: Uncertain significance (2). Last evaluated 2023-12-05.

Submissions (2):

Clinical Genetics Laboratory, Skane University Hospital Lund
Classification: Uncertain significance. Last evaluated: 2023-12-05. Review status: criteria provided, single submitter. Criteria: ACMG Guidelines, 2015. Collection method: clinical testing. Allele origin: germline. Affected: yes.

GeneDx
Classification: Uncertain significance. Last evaluated: 2020-11-10. Review status: criteria provided, single submitter. Criteria: GeneDx Variant Classification Process June 2021. Collection method: clinical testing. Allele origin: germline. Affected: yes.
Comment: Not observed in large population cohorts (Lek et al., 2016); In silico analysis supports that this missense variant has a deleterious effect on protein structure/function; Has not been previously published as pathogenic or benign to our knowledge

NM_001605.3(AARS1):c.737G>A (p.Arg246Gln)

Gene: AARS1 (alanyl-tRNA synthetase 1; minus strand). Cytogenetic location: 16q22.1.
Variant type: single nucleotide variant.
Coding change: c.737G>A on transcript NM_001605.3 (MANE Select); coding-DNA position 737, G replaced by A.
Protein change: p.Arg246Gln; replaces arginine 246 with glutamine.
Molecular consequence: missense variant.
Genome position (GRCh38, 1-based): chr16:70,270,275, C>T on the plus strand (G>A on the coding strand, the complement: AARS1 is on the minus strand). VCF-style: chr16-70270275-C-T. GRCh37 (hg19) VCF-style: chr16-70304178-C-T.
Other names: short protein forms R246Q.
Identifiers: ClinVar variation 1303420 (VCV001303420.3), dbSNP rs2152162149, ClinGen allele CA396565468.